The following is an entry in ClinVar:

ClinVar aggregate classification (germline): Likely pathogenic (1 of 4 stars; one submission).

Submission:

Mayo Clinic Laboratories, Mayo Clinic
Classification: Likely pathogenic. Last evaluated: 2024-11-12. Review status: criteria provided, single submitter. Criteria: ACMG Guidelines, 2015. Collection method: clinical testing. Allele origin: germline. Observed: 1 variant allele.
Comment: PM2_supporting, PVS1

NM_000313.4(PROS1):c.162del (p.Glu55fs)

Gene: PROS1 (protein S; minus strand). Cytogenetic location: 3q11.1.
Variant type: Deletion.
Coding change: c.162del on transcript NM_000313.4 (MANE Select); coding-DNA position 162, one base deleted (T; older notation c.162delT).
Protein change: p.Glu55fs; shifts the reading frame from glutamic acid 55.
Molecular consequence: frameshift variant.
Genome position (GRCh38, 1-based): chr3:93,927,322, A deleted on the plus strand (T on the coding strand, the reverse complement: PROS1 is on the minus strand); the first of 2 consecutive A bases (chr3:93,927,322-93,927,323); deleting either gives the same sequence. VCF-style (leftmost placement, unchanged base first): chr3-93927321-CA-C. GRCh37 (hg19) VCF-style: chr3-93646165-CA-C.
Other names: p.Glu55Lysfs*32; c.258del, p.Glu87fs (NM_001314077.2); short protein forms E55fs, E87fs.
Identifiers: ClinVar variation 4540905 (VCV004540905.1).